The following is an entry in ClinVar:

NM_005368.3(MB):c.279G>A (p.Ser93=)

Gene: MB (myoglobin; minus strand). Cytogenetic location: 22q12.3.
Variant type: single nucleotide variant.
Coding change: c.279G>A on transcript NM_005368.3 (MANE Select); coding-DNA position 279, G replaced by A.
Protein change: p.Ser93=; no amino-acid change (serine 93 retained).
Molecular consequence: synonymous variant.
Genome position (GRCh38, 1-based): chr22:35,610,923, C>T on the plus strand (G>A on the coding strand, the complement: MB is on the minus strand). VCF-style: chr22-35610923-C-T. GRCh37 (hg19) VCF-style: chr22-36006970-C-T.
Other names: c.279G>A, p.Ser93= (NM_001362846.2, NM_001382809.1, NM_001382810.1 and 3 more transcripts); c.114G>A, p.Ser38= (NM_001382812.1, NM_001382813.1).
Identifiers: ClinVar variation 4821564 (VCV004821564.4).

ClinVar aggregate classification (germline): Likely benign (1 of 4 stars; one submission).

Submission:

CeGaT Center for Human Genetics Tuebingen
Classification: Likely benign. Last evaluated: 2026-03-01. Review status: criteria provided, single submitter. Criteria: CeGaT Center For Human Genetics Tuebingen Variant Classification Criteria Version 2. Collection method: clinical testing. Allele origin: germline. Affected: yes. Observed: 1 variant allele.
Comment: MB: BP4, BP7